The following is an entry in ClinVar:

NM_001040108.2(MLH3):c.450C>A (p.Asn150Lys)

Gene: MLH3 (mutL homolog 3; minus strand). Cytogenetic location: 14q24.3.
Variant type: single nucleotide variant.
Coding change: c.450C>A on transcript NM_001040108.2 (MANE Select); coding-DNA position 450, C replaced by A.
Protein change: p.Asn150Lys; replaces asparagine 150 with lysine.
Molecular consequence: missense variant.
Genome position (GRCh38, 1-based): chr14:75,049,206, G>T on the plus strand (C>A on the coding strand, the complement: MLH3 is on the minus strand). VCF-style: chr14-75049206-G-T. GRCh37 (hg19) VCF-style: chr14-75515909-G-T.
Other names: c.450C>A, p.Asn150Lys (NM_014381.3); short protein forms N150K.
Identifiers: ClinVar variation 1741092 (VCV001741092.2), dbSNP rs372363739, ClinGen allele CA390450216.

ClinVar aggregate classification (germline): Uncertain significance (1 of 4 stars; one submission).

Submission:

Ambry Genetics
Classification: Uncertain significance. Last evaluated: 2021-10-27. Review status: criteria provided, single submitter. Criteria: Ambry Variant Classification Scheme 2023. Collection method: clinical testing. Allele origin: germline.
Comment: The p.N150K variant (also known as c.450C>A), located in coding exon 1 of the MLH3 gene, results from a C to A substitution at nucleotide position 450. The asparagine at codon 150 is replaced by lysine, an amino acid with similar properties. This amino acid position is conserved. In addition, the in silico prediction for this alteration is inconclusive. Since supporting evidence is limited at this time, the clinical significance of this alteration remains unclear.